The following is an entry in ClinVar:

ClinVar aggregate classification (germline): Uncertain significance. Review status: criteria provided, multiple submitters, no conflicts (2 of 4 stars). 5 submissions from 5 submitters: Uncertain significance (5). Last evaluated 2025-07-01.

Conditions:
Cardiovascular phenotype. Identifiers: MedGen CN230736.
Dilated cardiomyopathy 1G (CMD1G). Identifiers: Orphanet 154, MedGen C1858763, MONDO:0011400, OMIM 604145.
Myopathy, myofibrillar, 9, with early respiratory failure (MFM9). Also called: Myopathy, distal, with early respiratory failure, autosomal dominant; Hereditary myopathy with early respiratory failure; EDSTROM MYOPATHY; MYOPATHY, PROXIMAL, WITH EARLY RESPIRATORY MUSCLE INVOLVEMENT. Identifiers: Orphanet 178464, Orphanet 34521, MedGen C1863599, MONDO:0011362, OMIM 603689.
Autosomal recessive limb-girdle muscular dystrophy type 2J (LGMDR10). Also called: MUSCULAR DYSTROPHY, LIMB-GIRDLE, AUTOSOMAL RECESSIVE 10; Limb-girdle muscular dystrophy, type 2J. Identifiers: Orphanet 140922, MedGen C1837342, MONDO:0012127, OMIM 608807.
Tibial muscular dystrophy (TMD). Also called: UDD MYOPATHY; Tibial muscular dystrophy, tardive; Udd Distal Myopathy – Tibial Muscular Dystrophy. Identifiers: Orphanet 609, MedGen C1838244, MONDO:0010870, OMIM 600334.
Early-onset myopathy with fatal cardiomyopathy (CMYO5). Also called: CONGENITAL MYOPATHY 5 WITH CARDIOMYOPATHY; Salih Myopathy. Identifiers: Orphanet 289377, MedGen C2673677, MONDO:0012714, OMIM 611705. Disease mechanism: loss of function.
Hypertrophic cardiomyopathy 9. Also called: Familial hypertrophic cardiomyopathy 9. Identifiers: MedGen C1861065, MONDO:0013412, OMIM 613765.

Allele frequency attached by ClinVar (database versions not stated): ExAC 0.00003; gnomAD exomes 0.00003 and 0.00007; gnomAD 0.00004; TOPMed 0.00006.
gnomAD v4.1: 105 of 1,612,834 alleles (0.0065%); highest among the groups gnomAD compares: Non-Finnish European, 0.0086%; no homozygotes.

Submissions (5):

CeGaT Center for Human Genetics Tuebingen
Classification: Uncertain significance. Last evaluated: 2025-07-01. Review status: criteria provided, single submitter. Criteria: CeGaT Center For Human Genetics Tuebingen Variant Classification Criteria Version 2. Collection method: clinical testing. Allele origin: germline. Affected: yes. Observed: 1 variant allele.
Comment: TTN: PM2

ARUP Laboratories, Molecular Genetics and Genomics, ARUP Laboratories
Classification: Uncertain significance. Last evaluated: 2025-04-08. Review status: criteria provided, single submitter. Criteria: ARUP Molecular Germline Variant Investigation Process 2024. Collection method: clinical testing. Allele origin: germline.
Comment: The TTN c.54649A>G; p.Ser18217Gly variant (rs201001270; ClinVar Variation ID: 518573) is rare in the general population (<0.2% allele frequency in the Genome Aggregation Database) and has not been reported in the medical literature in association with dilated cardiomyopathy (DCM) or other TTN-related disease. The clinical relevance of rare missense variants in this gene, which are identified on average once per individual sequenced in affected populations (Herman 2012), is not well understood. Yet, evidence suggests that the vast majority of such missense variants do not contribute to the clinical outcome of DCM (Begay 2015). Thus, the clinical significance of the p.Ser18217Gly variant cannot be determined with certainty.

Fulgent Genetics
Classification: Uncertain significance for Tibial muscular dystrophy; Myopathy, myofibrillar, 9, with early respiratory failure; Dilated cardiomyopathy 1G; Autosomal recessive limb-girdle muscular dystrophy type 2J; Early-onset myopathy with fatal cardiomyopathy; Hypertrophic cardiomyopathy 9. Last evaluated: 2021-11-04. Review status: criteria provided, single submitter. Criteria: ACMG Guidelines, 2015. Collection method: clinical testing. Allele origin: unknown.

Revvity Omics, Revvity
Classification: Uncertain significance. Last evaluated: 2021-05-17. Review status: criteria provided, single submitter. Criteria: ACMG Guidelines, 2015. Collection method: clinical testing. Allele origin: germline.

Ambry Genetics
Classification: Uncertain significance for Cardiovascular phenotype. Last evaluated: 2016-10-06. Review status: criteria provided, single submitter. Criteria: Ambry Variant Classification Scheme 2023. Collection method: clinical testing. Allele origin: germline.
Comment: The p.S9152G variant (also known as c.27454A>G), located in coding exon 109 of the TTN gene, results from an A to G substitution at nucleotide position 27454. The serine at codon 9152 is replaced by glycine, an amino acid with similar properties. This variant was previously reported in the SNPDatabase as rs201001270. Based on data from ExAC, the G allele has an overall frequency of <0.01% (4/105534). This amino acid position is not well conserved in available vertebrate species. In addition, this alteration is predicted to be tolerated by in silico analysis. Since supporting evidence is limited at this time, the clinical significance of this alteration remains unclear.

NM_001267550.2(TTN):c.54649A>G (p.Ser18217Gly)

Genes: TTN (titin; minus strand), TTN-AS1 (TTN antisense RNA 1; plus strand). Cytogenetic location: 2q31.2.
Variant type: single nucleotide variant.
Coding change: c.54649A>G on transcript NM_001267550.2 (MANE Select); coding-DNA position 54649, A replaced by G.
Protein change: p.Ser18217Gly; replaces serine 18217 with glycine.
Molecular consequence: missense variant.
Genome position (GRCh38, 1-based): chr2:178,604,038, T>C on the plus strand (A>G on the coding strand, the complement: TTN is on the minus strand). VCF-style: chr2-178604038-T-C. GRCh37 (hg19) VCF-style: chr2-179468765-T-C.
Other names: c.49726A>G, p.Ser16576Gly (NM_001256850.1); c.27454A>G, p.Ser9152Gly (NM_003319.4); c.46945A>G, p.Ser15649Gly (NM_133378.4); c.27829A>G, p.Ser9277Gly (NM_133432.3); c.28030A>G, p.Ser9344Gly (NM_133437.4); short protein forms S18217G, S9152G, S9277G, S16576G, S15649G, S9344G.
Identifiers: ClinVar variation 518573 (VCV000518573.19), dbSNP rs201001270, ClinGen allele CA1993597.